The following is an entry in ClinVar:

ClinVar aggregate classification (germline): Uncertain significance. Review status: criteria provided, multiple submitters, no conflicts (2 of 4 stars). 2 submissions from 2 submitters: Uncertain significance (2). Last evaluated 2026-07-01.

Conditions:
Dyskeratosis congenita, autosomal recessive 5 (DKCB5). Identifiers: MedGen C3554656, MONDO:0014076, OMIM 615190.
Pulmonary fibrosis and/or bone marrow failure, Telomere-related, 3. Also called: PULMONARY FIBROSIS AND/OR BONE MARROW FAILURE SYNDROME, TELOMERE-RELATED, 3. Identifiers: Orphanet 2032, MedGen C4225346, MONDO:0014613, OMIM 616373.
Inborn genetic diseases. Identifiers: MedGen C0950123, MeSH D030342.

Submissions (2):

Ambry Genetics
Classification: Uncertain significance for Inborn genetic diseases. Last evaluated: 2026-07-01. Review status: criteria provided, single submitter. Criteria: Ambry Variant Classification Scheme 2023. Collection method: clinical testing. Allele origin: germline.
Comment: The p.A1070T variant (also known as c.3208G>A), located in coding exon 31 of the RTEL1 gene, results from a G to A substitution at nucleotide position 3208. The alanine at codon 1070 is replaced by threonine, an amino acid with similar properties. This amino acid position is conserved. In addition, this alteration is predicted to be tolerated by in silico analysis. Based on the available evidence, the clinical significance of this variant remains unclear.

Labcorp Genetics (formerly Invitae), Labcorp
Classification: Uncertain significance for Dyskeratosis congenita, autosomal recessive 5; Pulmonary fibrosis and/or bone marrow failure, Telomere-related, 3. Last evaluated: 2025-07-02. Review status: criteria provided, single submitter. Criteria: Invitae Variant Classification Sherloc (09022015). Collection method: clinical testing. Allele origin: germline.
Comment: This sequence change replaces alanine, which is neutral and non-polar, with threonine, which is neutral and polar, at codon 1070 of the RTEL1 protein (p.Ala1070Thr). This variant is not present in population databases (gnomAD no frequency). This variant has not been reported in the literature in individuals affected with RTEL1-related conditions. An algorithm developed to predict the effect of missense changes on protein structure and function (PolyPhen-2) suggests that this variant is likely to be tolerated. In summary, the available evidence is currently insufficient to determine the role of this variant in disease. Therefore, it has been classified as a Variant of Uncertain Significance.

NM_001283009.2(RTEL1):c.3208G>A (p.Ala1070Thr)

Genes: RTEL1 (regulator of telomere elongation helicase 1; plus strand), RTEL1-TNFRSF6B (RTEL1-TNFRSF6B readthrough (NMD candidate); plus strand). Cytogenetic location: 20q13.33.
Variant type: single nucleotide variant.
Coding change: c.3208G>A on transcript NM_001283009.2 (MANE Select); coding-DNA position 3208, G replaced by A.
Protein change: p.Ala1070Thr; replaces alanine 1070 with threonine.
Molecular consequence: missense variant. On other transcripts: non-coding transcript variant (1).
Genome position (GRCh38, 1-based): chr20:63,694,839, G>A. VCF-style: chr20-63694839-G-A. GRCh37 (hg19) VCF-style: chr20-62326192-G-A.
Other names: c.2539G>A, p.Ala847Thr (NM_001283010.1); c.3208G>A, p.Ala1070Thr (NM_016434.4); c.3280G>A, p.Ala1094Thr (NM_032957.5); short protein forms A1070T, A847T, A1094T.
Identifiers: ClinVar variation 4788417 (VCV004788417.2).